The following is an entry in ClinVar:

ClinVar aggregate classification (germline): Uncertain significance (1 of 4 stars; one submission).

Conditions:
Pyridoxine-dependent epilepsy (EPEO4). Also called: Pyridoxine-Dependent Epilepsy - ALDH7A1; EPILEPSY, EARLY-ONSET, 4, VITAMIN B6-DEPENDENT; PYRIDOXINE DEPENDENCY WITH SEIZURES; Pyridoxine-Dependent Seizures. Identifiers: Orphanet 3006, MedGen C1849508, MONDO:0009945, OMIM 266100. Disease mechanism: loss of function.

Allele frequency attached by ClinVar (database versions not stated): gnomAD exomes 0.00001 and below 0.00001.
gnomAD v4.1: 13 of 1,614,002 alleles (0.00081%); highest among the groups gnomAD compares: African/African-American, 0.004%; no homozygotes.

Submission:

Labcorp Genetics (formerly Invitae), Labcorp
Classification: Uncertain significance for Pyridoxine-dependent epilepsy. Last evaluated: 2022-09-26. Review status: criteria provided, single submitter. Criteria: Invitae Variant Classification Sherloc (09022015). Collection method: clinical testing. Allele origin: germline.
Comment: This sequence change replaces alanine, which is neutral and non-polar, with threonine, which is neutral and polar, at codon 424 of the ALDH7A1 protein (p.Ala424Thr). This variant is present in population databases (no rsID available, gnomAD 0.0009%). This variant has not been reported in the literature in individuals affected with ALDH7A1-related conditions. ClinVar contains an entry for this variant (Variation ID: 646374). Algorithms developed to predict the effect of missense changes on protein structure and function (SIFT, PolyPhen-2, Align-GVGD) all suggest that this variant is likely to be tolerated. In summary, the available evidence is currently insufficient to determine the role of this variant in disease. Therefore, it has been classified as a Variant of Uncertain Significance.

NM_001182.5(ALDH7A1):c.1270G>A (p.Ala424Thr)

Gene: ALDH7A1 (aldehyde dehydrogenase 7 family member A1; minus strand). Cytogenetic location: 5q23.2.
Variant type: single nucleotide variant.
Coding change: c.1270G>A on transcript NM_001182.5 (MANE Select); coding-DNA position 1270, G replaced by A.
Protein change: p.Ala424Thr; replaces alanine 424 with threonine.
Molecular consequence: missense variant.
Genome position (GRCh38, 1-based): chr5:126,552,068, C>T on the plus strand (G>A on the coding strand, the complement: ALDH7A1 is on the minus strand). VCF-style: chr5-126552068-C-T. GRCh37 (hg19) VCF-style: chr5-125887760-C-T.
Other names: c.1186G>A, p.Ala396Thr (NM_001201377.2); c.1078G>A, p.Ala360Thr (NM_001202404.2); short protein forms A360T, A396T, A424T.
Identifiers: ClinVar variation 646374 (VCV000646374.8), dbSNP rs1463447902, ClinGen allele CA360723074.